The following is an entry in ClinVar:

NM_020745.4(AARS2):c.824C>T (p.Ala275Val)

Gene: AARS2 (alanyl-tRNA synthetase 2, mitochondrial; minus strand). Cytogenetic location: 6p21.1.
Variant type: single nucleotide variant.
Coding change: c.824C>T on transcript NM_020745.4 (MANE Select); coding-DNA position 824, C replaced by T.
Protein change: p.Ala275Val; replaces alanine 275 with valine.
Molecular consequence: missense variant.
Genome position (GRCh38, 1-based): chr6:44,310,369, G>A on the plus strand (C>T on the coding strand, the complement: AARS2 is on the minus strand). VCF-style: chr6-44310369-G-A. GRCh37 (hg19) VCF-style: chr6-44278106-G-A.
Other names: c.824C>T (NM_020745.3); short protein forms A275V.
Identifiers: ClinVar variation 1435777 (VCV001435777.12), dbSNP rs753386864, ClinGen allele CA3834546.

ClinVar aggregate classification (germline): Uncertain significance. Review status: criteria provided, multiple submitters, no conflicts (2 of 4 stars). 3 submissions from 3 submitters: Uncertain significance (2). 1 of the submissions does not count toward it. Last evaluated 2025-04-03.

Conditions:
Inborn genetic diseases. Identifiers: MedGen C0950123, MeSH D030342.
AARS2-related disorder. Also called: AARS2-related disorders; AARS2-related condition. Identifiers: MedGen CN381518, MONDO:1060240.

Allele frequency attached by ClinVar (database versions not stated): ExAC 0.00002; gnomAD exomes 0.00002 and 0.00007; gnomAD 0.00009; TOPMed 0.00015.

Submissions (3):

Ambry Genetics
Classification: Uncertain significance for Inborn genetic diseases. Last evaluated: 2025-04-03. Review status: criteria provided, single submitter. Criteria: Ambry Variant Classification Scheme 2023. Collection method: clinical testing. Allele origin: germline.

Labcorp Genetics (formerly Invitae), Labcorp
Classification: Uncertain significance. Last evaluated: 2024-12-02. Review status: criteria provided, single submitter. Criteria: Invitae Variant Classification Sherloc (09022015). Collection method: clinical testing. Allele origin: germline.
Comment: This sequence change replaces alanine, which is neutral and non-polar, with valine, which is neutral and non-polar, at codon 275 of the AARS2 protein (p.Ala275Val). This variant is present in population databases (rs753386864, gnomAD 0.05%). This missense change has been observed in individual(s) with leukoencephalopathy (internal data). ClinVar contains an entry for this variant (Variation ID: 1435777). Invitae Evidence Modeling of protein sequence and biophysical properties (such as structural, functional, and spatial information, amino acid conservation, physicochemical variation, residue mobility, and thermodynamic stability) indicates that this missense variant is not expected to disrupt AARS2 protein function with a negative predictive value of 80%. In summary, the available evidence is currently insufficient to determine the role of this variant in disease. Therefore, it has been classified as a Variant of Uncertain Significance.

PreventionGenetics, part of Exact Sciences
Classification: Uncertain significance for AARS2-related condition. Last evaluated: 2024-07-10. Review status: no assertion criteria provided. Collection method: clinical testing. Allele origin: germline. Not counted in ClinVar's aggregate classification.
Comment: The AARS2 c.824C>T variant is predicted to result in the amino acid substitution p.Ala275Val. To our knowledge, this variant has not been reported in the literature. This variant is reported in 0.051% of alleles in individuals of Latino descent in gnomAD. Although we suspect that this variant may be benign, at this time, the clinical significance of this variant is uncertain due to the absence of conclusive functional and genetic evidence.